The following is an entry in ClinVar:

ClinVar aggregate classification (germline): Uncertain significance (1 of 4 stars; one submission).

Conditions:
Chédiak-Higashi syndrome (CHS). Also called: Chediak-Higashi Syndrome. Identifiers: Orphanet 167, MedGen C0007965, MONDO:0008963, OMIM 214500.

Submission:

Labcorp Genetics (formerly Invitae), Labcorp
Classification: Uncertain significance for Chédiak-Higashi syndrome. Last evaluated: 2021-05-12. Review status: criteria provided, single submitter. Criteria: Invitae Variant Classification Sherloc (09022015). Collection method: clinical testing. Allele origin: germline.
Comment: In summary, the available evidence is currently insufficient to determine the role of this variant in disease. Therefore, it has been classified as a Variant of Uncertain Significance. Algorithms developed to predict the effect of missense changes on protein structure and function (SIFT, PolyPhen-2, Align-GVGD) all suggest that this variant is likely to be tolerated, but these predictions have not been confirmed by published functional studies and their clinical significance is uncertain. This variant has not been reported in the literature in individuals with LYST-related conditions. This variant is not present in population databases (ExAC no frequency). This sequence change replaces histidine with aspartic acid at codon 182 of the LYST protein (p.His182Asp). The histidine residue is weakly conserved and there is a moderate physicochemical difference between histidine and aspartic acid.

NM_000081.4(LYST):c.544C>G (p.His182Asp)

Gene: LYST (lysosomal trafficking regulator; minus strand). Cytogenetic location: 1q42.3.
Variant type: single nucleotide variant.
Coding change: c.544C>G on transcript NM_000081.4 (MANE Select); coding-DNA position 544, C replaced by G.
Protein change: p.His182Asp; replaces histidine 182 with aspartic acid.
Molecular consequence: missense variant.
Genome position (GRCh38, 1-based): chr1:235,810,274, G>C on the plus strand (C>G on the coding strand, the complement: LYST is on the minus strand). VCF-style: chr1-235810274-G-C. GRCh37 (hg19) VCF-style: chr1-235973574-G-C.
Other names: c.544C>G, p.His182Asp (NM_001301365.1); short protein forms H182D.
Identifiers: ClinVar variation 1394783 (VCV001394783.7), dbSNP rs1349806687, ClinGen allele CA344964986.
Genomic context (GRCh38, chr1:235,810,274, plus strand): 5'-TGGGGTGGTCTTGTTTAGGAAACGATGTTAAAAAATGATGCAGCAGATGGGGCCTTCTAT[G>C]CTTATTCATTGCTATGCCTTTTTCATCTGAATTGGCTTCTGAATCTGAGGTGGAGAGCTG-3'
Protein context (NP_000072.2, residues 172-192): SDEKGIAMNK[His182Asp]RRPHLLHHFL